The following is an entry in ClinVar:

ClinVar aggregate classification (germline): Likely pathogenic (1 of 4 stars; one submission).

Conditions:
Combined oxidative phosphorylation defect type 17. Also called: Combined oxidative phosphorylation deficiency 17. Identifiers: Orphanet 369913, MedGen C3809526, MONDO:0014190, OMIM 615440.

Submission:

Labcorp Genetics (formerly Invitae), Labcorp
Classification: Likely pathogenic for Combined oxidative phosphorylation defect type 17. Last evaluated: 2024-07-31. Review status: criteria provided, single submitter. Criteria: Invitae Variant Classification Sherloc (09022015). Collection method: clinical testing. Allele origin: germline.
Comment: This sequence change affects a donor splice site in intron 8 of the ELAC2 gene. It is expected to disrupt RNA splicing. Variants that disrupt the donor or acceptor splice site typically lead to a loss of protein function (PMID: 16199547), and loss-of-function variants in ELAC2 are known to be pathogenic (PMID: 27769300, 31045291). This variant is not present in population databases (gnomAD no frequency). This variant has not been reported in the literature in individuals affected with ELAC2-related conditions. Algorithms developed to predict the effect of sequence changes on RNA splicing suggest that this variant may disrupt the consensus splice site. In summary, the currently available evidence indicates that the variant is pathogenic, but additional data are needed to prove that conclusively. Therefore, this variant has been classified as Likely Pathogenic.

Literature cited by the submitters: PubMed 16199547; PubMed 27769300; PubMed 31045291.

NM_018127.7(ELAC2):c.738+1G>A

Gene: ELAC2 (elaC ribonuclease Z 2; minus strand). Cytogenetic location: 17p12.
Variant type: single nucleotide variant.
Coding change: c.738+1G>A on transcript NM_018127.7 (MANE Select); the canonical splice donor site of the intron after coding-DNA position 738, G replaced by A.
Molecular consequence: splice donor variant.
Genome position (GRCh38, 1-based): chr17:13,010,612, C>T on the plus strand (G>A on the coding strand, the complement: ELAC2 is on the minus strand). VCF-style: chr17-13010612-C-T. GRCh37 (hg19) VCF-style: chr17-12913929-C-T.
Other names: c.618+1G>A (NM_001165962.2); c.738+1G>A (NM_173717.2).
Identifiers: ClinVar variation 3661067 (VCV003661067.2).
Genomic context (GRCh38, chr17:13,010,612, plus strand): 5'-AAACCAGAGGTCGCTGACCAAGACCCCAGTCATGTACAGCCCTCCGGAAAGTCTTCCTTA[C>T]CTTACAGATGAAAGCTACGACCAGGGAAGAGTCCCTGACCCCTCTTCTCTGGCTAACACC-3'